The following is an entry in ClinVar:

NM_025114.4(CEP290):c.2173G>A (p.Glu725Lys)

Gene: CEP290 (centrosomal protein 290; minus strand). Cytogenetic location: 12q21.32.
Variant type: single nucleotide variant.
Coding change: c.2173G>A on transcript NM_025114.4 (MANE Select); coding-DNA position 2173, G replaced by A.
Protein change: p.Glu725Lys; replaces glutamic acid 725 with lysine.
Molecular consequence: missense variant.
Genome position (GRCh38, 1-based): chr12:88,111,738, C>T on the plus strand (G>A on the coding strand, the complement: CEP290 is on the minus strand). VCF-style: chr12-88111738-C-T. GRCh37 (hg19) VCF-style: chr12-88505515-C-T.
Other names: short protein forms E725K.
Identifiers: ClinVar variation 1920177 (VCV001920177.5), dbSNP rs2500761755, ClinGen allele CA385974960.

ClinVar aggregate classification (germline): Uncertain significance (1 of 4 stars; one submission).

Conditions:
Joubert syndrome. Also called: CEREBELLOPARENCHYMAL DISORDER IV; JOUBERT-BOLTSHAUSER SYNDROME; Familial aplasia of the vermis. Identifiers: Orphanet 475, MedGen C5979921, MONDO:0018772.
Meckel-Gruber syndrome. Also called: DYSENCEPHALIA SPLANCHNOCYSTICA; GRUBER SYNDROME; Dysencephalia splachnocystica. Identifiers: Orphanet 564, MedGen C0265215, MONDO:0018921.
Nephronophthisis. Also called: Juvenile Nephronophthisis. Identifiers: Orphanet 655, MedGen C0687120, MONDO:0019005, HP:0000090.

Submission:

Labcorp Genetics (formerly Invitae), Labcorp
Classification: Uncertain significance for Joubert syndrome; Meckel-Gruber syndrome; Nephronophthisis. Last evaluated: 2024-06-24. Review status: criteria provided, single submitter. Criteria: Invitae Variant Classification Sherloc (09022015). Collection method: clinical testing. Allele origin: germline.
Comment: This sequence change replaces glutamic acid, which is acidic and polar, with lysine, which is basic and polar, at codon 725 of the CEP290 protein (p.Glu725Lys). This variant is not present in population databases (gnomAD no frequency). This variant has not been reported in the literature in individuals affected with CEP290-related conditions. ClinVar contains an entry for this variant (Variation ID: 1920177). Advanced modeling of protein sequence and biophysical properties (such as structural, functional, and spatial information, amino acid conservation, physicochemical variation, residue mobility, and thermodynamic stability) performed at Invitae indicates that this missense variant is expected to disrupt CEP290 protein function with a positive predictive value of 80%. In summary, the available evidence is currently insufficient to determine the role of this variant in disease. Therefore, it has been classified as a Variant of Uncertain Significance.